The following is an entry in ClinVar:

NM_172107.4(KCNQ2):c.-42G>A

Gene: KCNQ2 (potassium voltage-gated channel subfamily Q member 2; minus strand). Cytogenetic location: 20q13.33.
Variant type: single nucleotide variant.
Coding change: c.-42G>A on transcript NM_172107.4 (MANE Select); 42 bases upstream of the start codon, G replaced by A.
Molecular consequence: 5 prime UTR variant.
Genome position (GRCh38, 1-based): chr20:63,472,505, C>T on the plus strand (G>A on the coding strand, the complement: KCNQ2 is on the minus strand). VCF-style: chr20-63472505-C-T. GRCh37 (hg19) VCF-style: chr20-62103858-C-T.
Other names: c.-42G>A (NM_004518.6, NM_172106.3, NM_172108.5 and 1 more transcripts).
Identifiers: ClinVar variation 378020 (VCV000378020.1), dbSNP rs577705653, ClinGen allele CA16608516.
Genomic context (GRCh38, chr20:63,472,505, plus strand): 5'-TGCGCGACTTCTGCACCATGGTGCCTGGCGGGAGGCGCCCCGGGTCGGGCTCAGGCTCAG[C>T]GGGGGCGGAGCGCGGGGGGCGGCGCGGGCCCCAGCCCAGGCCCCCCGGCCGGGAGCCGCA-3'

ClinVar aggregate classification (germline): Likely benign (1 of 4 stars; one submission).

Allele frequency attached by ClinVar (database versions not stated): 1000 Genomes Project 30x 0.00016; TOPMed 0.00018; 1000 Genomes Project 0.00040.
gnomAD v4.1: 54 of 1,389,770 alleles (0.0039%); highest among the groups gnomAD compares: African/African-American, 0.079%; no homozygotes.

Submission:

GeneDx
Classification: Likely benign. Last evaluated: 2016-06-14. Review status: criteria provided, single submitter. Criteria: GeneDx Variant Classification (06012015). Collection method: clinical testing. Allele origin: germline. Affected: yes.
Comment: This variant is considered likely benign or benign based on one or more of the following criteria: it is a conservative change, it occurs at a poorly conserved position in the protein, it is predicted to be benign by multiple in silico algorithms, and/or has population frequency not consistent with disease.